The following is an entry in ClinVar:

NM_000535.7(PMS2):c.1266G>T (p.Glu422Asp)

Gene: PMS2 (PMS1 homolog 2, mismatch repair system component; minus strand). Cytogenetic location: 7p22.1.
Variant type: single nucleotide variant.
Coding change: c.1266G>T on transcript NM_000535.7 (MANE Select); coding-DNA position 1266, G replaced by T.
Protein change: p.Glu422Asp; replaces glutamic acid 422 with aspartic acid.
Molecular consequence: missense variant. On other transcripts: non-coding transcript variant (1).
Genome position (GRCh38, 1-based): chr7:5,987,499, C>A on the plus strand (G>T on the coding strand, the complement: PMS2 is on the minus strand). VCF-style: chr7-5987499-C-A. GRCh37 (hg19) VCF-style: chr7-6027130-C-A.
Other names: c.861G>T, p.Glu287Asp (NM_001018040.1, NM_001322003.2, NM_001322004.2 and 17 more transcripts); c.1110G>T, p.Glu370Asp (NM_001322006.2, NM_001406870.1); c.948G>T, p.Glu316Asp (NM_001322007.2, NM_001322008.2, NM_001406876.1 and 2 more transcripts); c.705G>T, p.Glu235Asp (NM_001322010.2, NM_001406906.1, NM_001406907.1); c.333G>T, p.Glu111Asp (NM_001322011.2, NM_001322012.2); c.693G>T, p.Glu231Asp (NM_001322013.2, NM_001406909.1); c.1266G>T, p.Glu422Asp (NM_001322014.2, NM_001406871.1, NM_001406872.1); c.957G>T, p.Glu319Asp (NM_001322015.2, NM_001406875.1, NM_001406877.1 and 5 more transcripts); and 12 more; short protein forms E251D, E267D, E310D, E430D, E231D, E235D, E264D, E316D.
Identifiers: ClinVar variation 1764314 (VCV001764314.2), dbSNP rs138049175, ClinGen allele CA366742451.

ClinVar aggregate classification (germline): Uncertain significance (1 of 4 stars; one submission).

Conditions:
Hereditary cancer-predisposing syndrome. Also called: Neoplastic Syndromes, Hereditary; Tumor predisposition; Hereditary Cancer Syndrome; Hereditary neoplastic syndrome. Identifiers: Orphanet 140162, MedGen C0027672, MeSH D009386, MONDO:0015356.

Submission:

Ambry Genetics
Classification: Uncertain significance for Hereditary cancer-predisposing syndrome. Last evaluated: 2017-03-31. Review status: criteria provided, single submitter. Criteria: Ambry Variant Classification Scheme 2023. Collection method: clinical testing. Allele origin: germline.
Comment: The p.E422D variant (also known as c.1266G>T), located in coding exon 11 of the PMS2 gene, results from a G to T substitution at nucleotide position 1266. The glutamic acid at codon 422 is replaced by aspartic acid, an amino acid with highly similar properties. This amino acid position is highly conserved in available vertebrate species. In addition, the in silico prediction for this alteration is inconclusive. Since supporting evidence is limited at this time, the clinical significance of this alteration remains unclear.